The following is an entry in ClinVar:

NM_001191061.2(SLC25A22):c.897C>T (p.Phe299=)

Gene: SLC25A22 (solute carrier family 25 member 22; minus strand). Cytogenetic location: 11p15.5.
Variant type: single nucleotide variant.
Coding change: c.897C>T on transcript NM_001191061.2 (MANE Select); coding-DNA position 897, C replaced by T.
Protein change: p.Phe299=; no amino-acid change (phenylalanine 299 retained).
Molecular consequence: synonymous variant.
Genome position (GRCh38, 1-based): chr11:791,990, G>A on the plus strand (C>T on the coding strand, the complement: SLC25A22 is on the minus strand). VCF-style: chr11-791990-G-A. GRCh37 (hg19) VCF-style: chr11-791990-G-A.
Other names: c.897C>T, p.Phe299= (NM_001191060.2, NM_024698.6); c.897C>T (NM_001191060.1).
Identifiers: ClinVar variation 159918 (VCV000159918.22), dbSNP rs7124179, ClinGen allele CA173489.

ClinVar aggregate classification (germline): Conflicting classifications of pathogenicity. Review status: criteria provided, conflicting classifications (1 of 4 stars). 5 submissions from 5 submitters: Uncertain significance (2); Benign (1); Likely benign (1). 1 of the submissions does not count toward it. Last evaluated 2026-02-02.

Conditions:
SLC25A22-related disorder. Also called: SLC25A22-related condition.
Early-infantile DEE. Also called: Ohtahara syndrome; Early infantile epileptic encephalopathy; Early infantile epileptic encephalopathy with suppression bursts. Identifiers: Orphanet 1934, MedGen C0393706, MONDO:0800491.
Early Myoclonic Encephalopathy. Identifiers: MedGen C0270855.

Allele frequency attached by ClinVar (database versions not stated): gnomAD 0.00013 and 0.00011; TOPMed 0.00013; 1000 Genomes Project 30x 0.00016; 1000 Genomes Project 0.00020; ExAC 0.00013; gnomAD exomes 0.00004 and 0.00006.
gnomAD v4.1: 78 of 1,609,122 alleles (0.0048%); highest among the groups gnomAD compares: Admixed American, 0.022%; no homozygotes.

Submissions (5):

Labcorp Genetics (formerly Invitae), Labcorp
Classification: Likely benign for Early-infantile DEE. Last evaluated: 2026-02-02. Review status: criteria provided, single submitter. Criteria: Invitae Variant Classification Sherloc (09022015). Collection method: clinical testing. Allele origin: germline.

Illumina Laboratory Services, Illumina
Classification: Uncertain significance for Developmental and epileptic encephalopathy, 3. Last evaluated: 2018-01-12. Review status: criteria provided, single submitter. Criteria: ICSL Variant Classification Criteria 13 December 2019. Collection method: clinical testing. Allele origin: germline.

GeneDx
Classification: Benign. Last evaluated: 2015-03-03. Review status: criteria provided, single submitter. Criteria: GeneDx Variant Classification (06012015). Collection method: clinical testing. Allele origin: germline. Affected: yes.

Genetic Services Laboratory, University of Chicago
Classification: Uncertain significance for Epileptic encephalopathy, early infantile, 3. Last evaluated: 2013-02-08. Review status: criteria provided, single submitter. Criteria: ACMG Guidelines, 2007. Collection method: clinical testing. Allele origin: germline. Inheritance: Autosomal recessive inheritance.

PreventionGenetics, part of Exact Sciences
Classification: Likely benign for SLC25A22-related condition. Last evaluated: 2019-08-13. Review status: no assertion criteria provided. Collection method: clinical testing. Allele origin: germline. Not counted in ClinVar's aggregate classification.
Comment: This variant is classified as likely benign based on ACMG/AMP sequence variant interpretation guidelines (Richards et al. 2015 PMID: 25741868, with internal and published modifications).